The following is an entry in ClinVar:

ClinVar aggregate classification (germline): Likely benign. Review status: criteria provided, multiple submitters, no conflicts (2 of 4 stars). 2 submissions from 2 submitters: Likely benign (2). Last evaluated 2025-02-03.

Conditions:
Hereditary nonpolyposis colorectal neoplasms. Identifiers: MedGen C0009405, MeSH D003123.
Lynch syndrome 4 (LYNCH4). Also called: Colorectal cancer, hereditary nonpolyposis, type 4; Hereditary non-polyposis colorectal cancer, type 4. Identifiers: Orphanet 144, MedGen C1838333, MONDO:0013699, OMIM 614337. Disease mechanism: loss of function.

Allele frequency attached by ClinVar (database versions not stated): gnomAD 0.00001; 1000 Genomes Project 0.00020; 1000 Genomes Project 30x 0.00016.
gnomAD v4.1: 1 of 1,561,532 alleles (0.000064%); highest among the groups gnomAD compares: Non-Finnish European, 0.000088%; no homozygotes.

Submissions (2):

Myriad Genetics, Inc.
Classification: Likely benign for Lynch syndrome 4. Last evaluated: 2025-02-03. Review status: criteria provided, single submitter. Criteria: Myriad Autosomal Dominant, Autosomal Recessive and X-Linked Classification Criteria (2023). Collection method: clinical testing. Allele origin: unknown.
Comment: This variant is considered likely benign. This variant is intronic and is not expected to impact mRNA splicing.

Labcorp Genetics (formerly Invitae), Labcorp
Classification: Likely benign for Hereditary nonpolyposis colorectal neoplasms. Last evaluated: 2024-09-21. Review status: criteria provided, single submitter. Criteria: Invitae Variant Classification Sherloc (09022015). Collection method: clinical testing. Allele origin: germline.

NM_000535.7(PMS2):c.2175-11G>A

Gene: PMS2 (PMS1 homolog 2, mismatch repair system component; minus strand). Cytogenetic location: 7p22.1.
Variant type: single nucleotide variant.
Coding change: c.2175-11G>A on transcript NM_000535.7 (MANE Select); 11 bases into the intron before coding-DNA position 2175, G replaced by A.
Molecular consequence: intron variant.
Genome position (GRCh38, 1-based): chr7:5,978,707, C>T on the plus strand (G>A on the coding strand, the complement: PMS2 is on the minus strand). VCF-style: chr7-5978707-C-T. GRCh37 (hg19) VCF-style: chr7-6018338-C-T.
Other names: c.1857-11G>A (NM_001322008.2, NM_001322007.2); c.1614-11G>A (NM_001322010.2); c.1770-11G>A (NM_001322004.2, NM_001322003.2, NM_001322009.2 and 1 more transcripts); c.1602-11G>A (NM_001322013.2); c.1242-11G>A (NM_001322012.2, NM_001322011.2); c.1866-11G>A (NM_001322015.2); c.2019-11G>A (NM_001322006.2); c.2175-11G>A (NM_001322014.2).
Identifiers: ClinVar variation 2055982 (VCV002055982.5), dbSNP rs538914402, ClinGen allele CA153221195.